The following is an entry in ClinVar:

NM_020975.6(RET):c.2729A>G (p.Gln910Arg)

Gene: RET (ret proto-oncogene; plus strand). Cytogenetic location: 10q11.21.
Variant type: single nucleotide variant.
Coding change: c.2729A>G on transcript NM_020975.6 (MANE Select); coding-DNA position 2729, A replaced by G.
Protein change: p.Gln910Arg; replaces glutamine 910 with arginine.
Molecular consequence: missense variant.
Genome position (GRCh38, 1-based): chr10:43,120,202, A>G. VCF-style: chr10-43120202-A-G. GRCh37 (hg19) VCF-style: chr10-43615650-A-G.
Other names: c.1832A>G, p.Gln611Arg (NM_001406782.1, NM_001406779.1, NM_001406780.1 and 1 more transcripts); c.1703A>G, p.Gln568Arg (NM_001406783.1, NM_001406786.1); c.1739A>G, p.Gln580Arg (NM_001406784.1); c.1712A>G, p.Gln571Arg (NM_001406785.1); c.1697A>G, p.Gln566Arg (NM_001406787.1); c.1544A>G, p.Gln515Arg (NM_001406788.1, NM_001406789.1, NM_001406790.1); c.1424A>G, p.Gln475Arg (NM_001406791.1); c.1967A>G, p.Gln656Arg (NM_001355216.2); and 10 more; short protein forms Q427R, Q475R, Q515R, Q566R, Q568R, Q571R, Q580R, Q611R.
Identifiers: ClinVar variation 3775686 (VCV003775686.1).

ClinVar aggregate classification (germline): Uncertain significance (1 of 4 stars; one submission).

Conditions:
Hirschsprung disease, susceptibility to, 1 (HSCR1). Also called: RET-Related Hirschsprung Disease. Identifiers: Orphanet 388, MedGen C3888239, MONDO:0007723, OMIM 142623.

Submission:

3billion
Classification: Uncertain significance for Hirschsprung disease, susceptibility to, 1. Last evaluated: 2023-06-30. Review status: criteria provided, single submitter. Criteria: ACMG Guidelines, 2015. Collection method: clinical testing. Allele origin: germline. Affected: yes.
Comment: The variant is not observed in the gnomAD v2.1.1 dataset. Predicted Consequence/Location: Missense variant In silico tool predictions suggest damaging effect of the variant on gene or gene product (REVEL: 0.28; 3Cnet: 0.89). In silico tools predict the variant to alter splicing and produce an abnormal transcript (SpliceAI: 0.70). Therefore, this variant is classified as VUS according to the recommendation of ACMG/AMP guideline.